The following is an entry in ClinVar:

NM_177438.3(DICER1):c.3050C>A (p.Ala1017Asp)

Gene: DICER1 (dicer 1, ribonuclease III; minus strand). Cytogenetic location: 14q32.13.
Variant type: single nucleotide variant.
Coding change: c.3050C>A on transcript NM_177438.3 (MANE Select); coding-DNA position 3050, C replaced by A.
Protein change: p.Ala1017Asp; replaces alanine 1017 with aspartic acid.
Molecular consequence: missense variant. On other transcripts: non-coding transcript variant (6).
Genome position (GRCh38, 1-based): chr14:95,105,721, G>T on the plus strand (C>A on the coding strand, the complement: DICER1 is on the minus strand). VCF-style: chr14-95105721-G-T. GRCh37 (hg19) VCF-style: chr14-95572058-G-T.
Other names: c.3050C>A, p.Ala1017Asp (NM_001395678.1, NM_001395679.1, NM_001395680.1 and 12 more transcripts); c.2768C>A, p.Ala923Asp (NM_001395686.1); c.2645C>A, p.Ala882Asp (NM_001395687.1, NM_001395688.1, NM_001395689.1 and 2 more transcripts); c.2483C>A, p.Ala828Asp (NM_001395691.1); c.1367C>A, p.Ala456Asp (NM_001395697.1); short protein forms A828D, A923D, A1017D, A456D, A882D.
Identifiers: ClinVar variation 5035263 (VCV005035263.1).

ClinVar aggregate classification (germline): Uncertain significance (1 of 4 stars; one submission).

Conditions:
Hereditary cancer-predisposing syndrome. Also called: Hereditary Cancer Syndrome; Neoplastic Syndromes, Hereditary; Tumor predisposition; Hereditary neoplastic syndrome. Identifiers: Orphanet 140162, MedGen C0027672, MeSH D009386, MONDO:0015356.

Submission:

Ambry Genetics
Classification: Uncertain significance for Hereditary cancer-predisposing syndrome. Last evaluated: 2026-07-07. Review status: criteria provided, single submitter. Criteria: Ambry Variant Classification Scheme 2023. Collection method: clinical testing. Allele origin: germline.
Comment: The p.A1017D variant (also known as c.3050C>A), located in coding exon 18 of the DICER1 gene, results from a C to A substitution at nucleotide position 3050. The alanine at codon 1017 is replaced by aspartic acid, an amino acid with dissimilar properties. This amino acid position is conserved. In addition, the in silico prediction for this alteration is inconclusive. Based on the available evidence, the clinical significance of this variant remains unclear.